The following is an entry in ClinVar:

ClinVar aggregate classification (germline): Benign (1 of 4 stars; one submission).

Allele frequency attached by ClinVar (database versions not stated): 1000 Genomes Project 0.00280; 1000 Genomes Project 30x 0.00312; gnomAD 0.00577; gnomAD exomes 0.00584.
gnomAD v4.1: 9,126 of 1,582,510 alleles (0.58%); highest among the groups gnomAD compares: Non-Finnish European, 0.61%; 339 homozygotes.

Submission:

CeGaT Center for Human Genetics Tuebingen
Classification: Benign. Last evaluated: 2022-10-01. Review status: criteria provided, single submitter. Criteria: CeGaT Center For Human Genetics Tuebingen Variant Classification Criteria Version 2. Collection method: clinical testing. Allele origin: germline. Affected: yes. Observed: 1 variant allele.
Comment: POTEJ: BP4, BS1, BS2

NM_001277083.2(POTEJ):c.2618G>A (p.Arg873His)

Gene: POTEJ (POTE ankyrin domain family member J; plus strand). Cytogenetic location: 2q21.1.
Variant type: single nucleotide variant.
Coding change: c.2618G>A on transcript NM_001277083.2 (MANE Select); coding-DNA position 2618, G replaced by A.
Protein change: p.Arg873His; replaces arginine 873 with histidine.
Molecular consequence: missense variant.
Genome position (GRCh38, 1-based): chr2:130,657,378, G>A. VCF-style: chr2-130657378-G-A. GRCh37 (hg19) VCF-style: chr2-131414951-G-A.
Other names: short protein forms R873H.
Identifiers: ClinVar variation 2651370 (VCV002651370.24), dbSNP rs200010374, ClinGen allele CA1873652.